The following is an entry in ClinVar:

NM_133259.4(LRPPRC):c.2211-10T>C

Gene: LRPPRC (leucine rich pentatricopeptide repeat containing; minus strand). Cytogenetic location: 2p21.
Variant type: single nucleotide variant.
Coding change: c.2211-10T>C on transcript NM_133259.4 (MANE Select); 10 bases into the intron before coding-DNA position 2211, T replaced by C.
Molecular consequence: intron variant.
Genome position (GRCh38, 1-based): chr2:43,945,427, A>G on the plus strand (T>C on the coding strand, the complement: LRPPRC is on the minus strand). VCF-style: chr2-43945427-A-G. GRCh37 (hg19) VCF-style: chr2-44172566-A-G.
Other names: c.2211-10T>C (NM_133259.3).
Identifiers: ClinVar variation 1988292 (VCV001988292.6), dbSNP rs773530953, ClinGen allele CA1638544.

ClinVar aggregate classification (germline): Likely benign. Review status: criteria provided, single submitter (1 of 4 stars). 2 submissions from 2 submitters: Likely benign (1). 1 of the submissions does not count toward it. Last evaluated 2023-06-03.

Conditions:
LRPPRC-related disorder. Also called: LRPPRC-related condition.

Allele frequency attached by ClinVar (database versions not stated): gnomAD exomes below 0.00001; ExAC 0.00001.
gnomAD v4.1: 4 of 1,528,102 alleles (0.00026%); highest among the groups gnomAD compares: Admixed American, 0.005%; no homozygotes.

Submissions (2):

Labcorp Genetics (formerly Invitae), Labcorp
Classification: Likely benign. Last evaluated: 2023-06-03. Review status: criteria provided, single submitter. Criteria: Invitae Variant Classification Sherloc (09022015). Collection method: clinical testing. Allele origin: germline.

PreventionGenetics, part of Exact Sciences
Classification: Likely benign for LRPPRC-related condition. Last evaluated: 2019-11-05. Review status: no assertion criteria provided. Collection method: clinical testing. Allele origin: germline. Not counted in ClinVar's aggregate classification.
Comment: This variant is classified as likely benign based on ACMG/AMP sequence variant interpretation guidelines (Richards et al. 2015 PMID: 25741868, with internal and published modifications).